The following is an entry in ClinVar:

NM_000243.3(MEFV):c.1340A>T (p.Lys447Met)

Gene: MEFV (MEFV innate immunity regulator, pyrin; minus strand). Cytogenetic location: 16p13.3.
Variant type: single nucleotide variant.
Coding change: c.1340A>T on transcript NM_000243.3 (MANE Select); coding-DNA position 1340, A replaced by T.
Protein change: p.Lys447Met; replaces lysine 447 with methionine.
Molecular consequence: missense variant.
Genome position (GRCh38, 1-based): chr16:3,248,925, T>A on the plus strand (A>T on the coding strand, the complement: MEFV is on the minus strand). VCF-style: chr16-3248925-T-A. GRCh37 (hg19) VCF-style: chr16-3298925-T-A.
Other names: c.707A>T, p.Lys236Met (NM_001198536.2); short protein forms K236M, K447M.
Identifiers: ClinVar variation 2646103 (VCV002646103.24), dbSNP rs377706011, ClinGen allele CA7860179.

ClinVar aggregate classification (germline): Uncertain significance (1 of 4 stars; one submission).

Allele frequency attached by ClinVar (database versions not stated): ExAC 0.00001; gnomAD 0.00001; gnomAD exomes 0.00002; ESP Exome Variant Server 0.00008.
gnomAD v4.1: 16 of 1,614,056 alleles (0.00099%); highest among the groups gnomAD compares: East Asian, 0.0089%; no homozygotes.

Submission:

CeGaT Center for Human Genetics Tuebingen
Classification: Uncertain significance. Last evaluated: 2023-01-01. Review status: criteria provided, single submitter. Criteria: CeGaT Center For Human Genetics Tuebingen Variant Classification Criteria Version 2. Collection method: clinical testing. Allele origin: germline. Affected: yes. Observed: 1 variant allele.
Comment: MEFV: PM2, BP4